The following is an entry in ClinVar:

ClinVar aggregate classification (germline): Likely benign (1 of 4 stars; one submission).

Submission:

CeGaT Center for Human Genetics Tuebingen
Classification: Likely benign. Last evaluated: 2022-11-01. Review status: criteria provided, single submitter. Criteria: CeGaT Center For Human Genetics Tuebingen Variant Classification Criteria Version 2. Collection method: clinical testing. Allele origin: germline. Affected: yes. Observed: 1 variant allele.
Comment: SLC37A1: BS2

NM_001320537.2(SLC37A1):c.1423+1735_1423+1736insGTTGTCATGCGACACACGGCCTGGTTCTGAGAAGCGGCGGGCAGGGTGGCC

Gene: SLC37A1 (solute carrier family 37 member 1; plus strand). Cytogenetic location: 21q22.3.
Variant type: Insertion.
Coding change: c.1423+1735_1423+1736insGTTGTCATGCGACACACGGCCTGGTTCTGAGAAGCGGCGGGCAGGGTGGCC on transcript NM_001320537.2 (MANE Select); bases 1735 to 1736 of the intron after coding-DNA position 1423, GTTGTCATGCGACACACGGCCTGGTTCTGAGAAGCGGCGGGCAGGGTGGCC inserted.
Molecular consequence: intron variant.
Genome position: GRCh38: chr21:42,570,173-42,570,174. GRCh37 (hg19): chr21:43,990,283-43,990,284.
Other names: c.1423+1735_1423+1736insGTTGTCATGCGACACACGGCCTGGTTCTGAGAAGCGGCGGGCAGGGTGGCC (NM_018964.4).
Identifiers: ClinVar variation 2652709 (VCV002652709.24), dbSNP rs1569041017, ClinGen allele CA638067165.